The following is an entry in ClinVar:

NM_002485.5(NBN):c.1124+6G>T

Gene: NBN (nibrin; minus strand). Cytogenetic location: 8q21.3.
Variant type: single nucleotide variant.
Coding change: c.1124+6G>T on transcript NM_002485.5 (MANE Select); 6 bases into the intron after coding-DNA position 1124, G replaced by T.
Molecular consequence: intron variant.
Genome position (GRCh38, 1-based): chr8:89,958,719, C>A on the plus strand (G>T on the coding strand, the complement: NBN is on the minus strand). VCF-style: chr8-89958719-C-A. GRCh37 (hg19) VCF-style: chr8-90970947-C-A.
Other names: c.878+6G>T (NM_001024688.3).
Identifiers: ClinVar variation 138426 (VCV000138426.30), dbSNP rs375862750, ClinGen allele CA292413.

ClinVar aggregate classification (germline): Conflicting classifications of pathogenicity. Review status: criteria provided, conflicting classifications (1 of 4 stars). 13 submissions from 13 submitters: Uncertain significance (2); Benign (1); Likely benign (7). 3 of the submissions do not count toward it. Last evaluated 2025-12-21.

Conditions:
Hereditary cancer-predisposing syndrome. Also called: Tumor predisposition; Hereditary neoplastic syndrome; Neoplastic Syndromes, Hereditary; Hereditary Cancer Syndrome. Identifiers: Orphanet 140162, MedGen C0027672, MeSH D009386, MONDO:0015356.
Microcephaly, normal intelligence and immunodeficiency (NBS). Also called: Nijmegen breakage syndrome; Microcephaly with normal intelligence immunodeficiency and lymphoreticular malignancies; Nonsyndromal microcephaly autosomal recessive with normal intelligence; Seemanova syndrome 2; SEEMANOVA SYNDROME II; Immunodeficiency, microcephaly with normal intelligence. Identifiers: Orphanet 647, MedGen C0398791, MONDO:0009623, OMIM 251260.
Malignant tumor of breast. Also called: Malignant breast neoplasm; Cancer breast. Identifiers: MedGen C0006142, MONDO:0007254. Disease mechanism: loss of function.

Allele frequency attached by ClinVar (database versions not stated): ExAC 0.00005; gnomAD exomes 0.00005 and 0.00012; gnomAD 0.00013; ESP Exome Variant Server 0.00015; TOPMed 0.00017.
gnomAD v4.1: 102 of 1,613,326 alleles (0.0063%); highest among the groups gnomAD compares: African/African-American, 0.027%; 1 homozygote.

Submissions (13):

Labcorp Genetics (formerly Invitae), Labcorp
Classification: Likely benign for Microcephaly, normal intelligence and immunodeficiency. Last evaluated: 2025-12-21. Review status: criteria provided, single submitter. Criteria: Invitae Variant Classification Sherloc (09022015). Collection method: clinical testing. Allele origin: germline.

Blueprint Genetics
Classification: Likely benign. Last evaluated: 2024-03-11. Review status: criteria provided, single submitter. Criteria: ACMG Guidelines, 2015. Collection method: clinical testing. Allele origin: germline.

Institute for Biomarker Research, Medical Diagnostic Laboratories, L.L.C.
Classification: Likely benign for Hereditary cancer-predisposing syndrome. Last evaluated: 2024-03-05. Review status: criteria provided, single submitter. Criteria: ACMG Guidelines, 2015. Collection method: clinical testing. Allele origin: germline.

Sema4
Classification: Uncertain significance for Hereditary cancer-predisposing syndrome. Last evaluated: 2022-01-04. Review status: criteria provided, single submitter. Criteria: Sema4 Curation Guidelines. Collection method: curation. Allele origin: germline.
Comment: The NBN c.1124+6G>T variant has been reported in at least one individual with breast cancer and one individual with colorectal cancer (PMID: 25186627, 28135145). This variant was observed in 18/10366 chromosomes in the Ashkenazi Jewish population, with no homozygotes, according to the Genome Aggregation Database (PMID: 32461654). This variant has been reported in ClinVar (Variation ID: 138426). In silico tools suggest that this variant may not impact splicing, though these predictions have not been confirmed by functional studies. The overall evidence is insufficient to meet ACMG/AMP criteria for classifying it as benign or pathogenic. In summary, the clinical significance of this variant is currently uncertain.

Genome-Nilou Lab
Classification: Likely benign for Microcephaly, normal intelligence and immunodeficiency. Last evaluated: 2021-11-07. Review status: criteria provided, single submitter. Criteria: ACMG Guidelines, 2015. Collection method: clinical testing. Allele origin: germline. Affected: no.

Quest Diagnostics Nichols Institute San Juan Capistrano
Classification: Likely benign. Last evaluated: 2021-07-20. Review status: criteria provided, single submitter. Criteria: Quest Diagnostics criteria. Collection method: clinical testing. Allele origin: unknown.

Women's Health and Genetics/Laboratory Corporation of America, LabCorp
Classification: Uncertain significance. Last evaluated: 2019-05-23. Review status: criteria provided, single submitter. Criteria: LabCorp Variant Classification Summary - May 2015. Collection method: clinical testing. Allele origin: germline.
Comment: Variant summary: NBN c.1124+6G>T alters a non-conserved nucleotide located close to a canonical splice site and therefore could affect mRNA splicing, leading to a significantly altered protein sequence. 5/5 computational tools predict no significant impact on normal splicing. However, these predictions have yet to be confirmed by functional studies. The variant allele was found at a frequency of 0.00012 in 251304 control chromosomes (gnomAD). This frequency is not higher than expected for a pathogenic variant in NBN causing Nijmegen Breakage Syndrome (0.00012 vs 0.0025), allowing no conclusion about variant significance. c.1124+6G>T has been reported in the literature in individuals affected with breast cancer and colorectal cancer (Tung_2014, Yurgelun_2017). These reports do not provide unequivocal conclusions about association of the variant with Nijmegen Breakage Syndrome. A co-occurrence with a pathogenic variant has been reported (BRCA1 c.4357+1G>A; LabCorp), providing supporting evidence for a benign role. To our knowledge, no experimental evidence demonstrating an impact on protein function has been reported. Four clinical diagnostic laboratories have submitted clinical-significance assessments for this variant to ClinVar after 2014 without evidence for independent evaluation. Two labs classified the variant as likely benign while two classified as VUS. Based on the evidence outlined above, the variant was classified as a VUS - possibly benign variant.

PreventionGenetics, part of Exact Sciences
Classification: Likely benign. Last evaluated: 2017-11-20. Review status: criteria provided, single submitter. Criteria: ACMG Guidelines, 2015. Collection method: clinical testing. Allele origin: germline.

Ambry Genetics
Classification: Likely benign for Hereditary cancer-predisposing syndrome. Last evaluated: 2014-09-09. Review status: criteria provided, single submitter. Criteria: Ambry Variant Classification Scheme 2023. Collection method: clinical testing. Allele origin: germline.

GeneDx
Classification: Benign. Last evaluated: 2014-02-05. Review status: criteria provided, single submitter. Criteria: GeneDx Variant Classification (06012015). Collection method: clinical testing. Allele origin: germline. Affected: yes.
Comment: This variant is considered likely benign or benign based on one or more of the following criteria: it is a conservative change, it occurs at a poorly conserved position in the protein, it is predicted to be benign by multiple in silico algorithms, and/or has population frequency not consistent with disease.

Natera, Inc.
Classification: Uncertain significance for Nijmegen breakage syndrome. Last evaluated: 2020-01-10. Review status: no assertion criteria provided. Collection method: clinical testing. Allele origin: germline. Not counted in ClinVar's aggregate classification.

Counsyl
Classification: Uncertain significance for Microcephaly, normal intelligence and immunodeficiency. Last evaluated: 2018-02-21. Review status: no assertion criteria provided. Collection method: clinical testing. Allele origin: unknown. Not counted in ClinVar's aggregate classification.

Department of Pathology and Laboratory Medicine, Sinai Health System
Classification: Likely benign for Malignant tumor of breast. Review status: no assertion criteria provided. Collection method: clinical testing. Allele origin: unknown. Affected: yes. Study: The Canadian Open Genetics Repository (COGR). Not counted in ClinVar's aggregate classification.
Comment: The NBN c.1124+6G>T variant was not identified in the literature nor was it identified in Cosmic, LOVD 3.0, or Zhejiang Colon Cancer Databases. The variant was identified in dbSNP (ID: rs375862750) â€šÃ„ÃºWith Uncertain significance alleleâ€šÃ„Ã¹, ClinVar (classified with conflicting interpretations of pathogenicity; submitters: benign by GeneDx and uncertain significance by Invitae), and Clinvitae (2x). The variant was identified in control databases in 30 of 277024 chromosomes at a frequency of 0.0001 increasing the likelihood that this may be a low frequency benign variant in certain populations of origin (Genome Aggregation Consortium Feb 27, 2017). The c.1124+6G>T variant is located in the 5' splice region but does not affect the invariant +1 and +2 positions. However, positions +3 to +6 are part of the splicing consensus sequence and variants involving these positions sometimes affect splicing. 5 of 5 in silico or computational prediction software programs (SpliceSiteFinder, MaxEntScan, NNSPLICE, GeneSplicer, HumanSpliceFinder) do not predict a difference in splicing. In summary, based on the above information the clinical significance of this variant cannot be determined with certainty at this time although we would lean towards a more benign role for this variant. This variant is classified as likely benign.

Literature cited by the submitters: PubMed 25186627 (cited by 3 submitters); PubMed 28135145 (cited by 3 submitters).